The following is an entry in ClinVar:

NM_000642.3(AGL):c.2546+10T>C

Gene: AGL (amylo-alpha-1,6-glucosidase and 4-alpha-glucanotransferase; plus strand). Cytogenetic location: 1p21.2.
Variant type: single nucleotide variant.
Coding change: c.2546+10T>C on transcript NM_000642.3 (MANE Select); 10 bases into the intron after coding-DNA position 2546, T replaced by C.
Molecular consequence: intron variant.
Genome position (GRCh38, 1-based): chr1:99,884,461, T>C. VCF-style: chr1-99884461-T-C. GRCh37 (hg19) VCF-style: chr1-100350017-T-C.
Other names: p.?; c.2546+10T>C (NM_000643.3, NM_000644.3, NM_001425326.1 and 2 more transcripts); c.2498+10T>C (NM_000646.3); c.2345+10T>C (NM_001425327.1); c.2342+10T>C (NM_001425328.1, NM_001425329.1); c.2168+10T>C (NM_001425332.1).
Identifiers: ClinVar variation 256728 (VCV000256728.23), dbSNP rs74551473, ClinGen allele CA966813.

ClinVar aggregate classification (germline): Benign/Likely benign. Review status: criteria provided, multiple submitters, no conflicts (2 of 4 stars). 8 submissions from 8 submitters: Benign (2); Likely benign (6). Last evaluated 2026-01-31.

Conditions:
Glycogen storage disease type III (GSD3). Also called: FORBES DISEASE; Cori disease. Identifiers: Orphanet 366, MedGen C0017922, MONDO:0009291, OMIM 232400.

Allele frequency attached by ClinVar (database versions not stated): gnomAD exomes 0.00017 and 0.00049; ExAC 0.00059; ESP Exome Variant Server 0.00147; gnomAD 0.00200 and 0.00212; 1000 Genomes Project 30x 0.00219; 1000 Genomes Project 0.00220; TOPMed 0.00223.
gnomAD v4.1: 551 of 1,605,570 alleles (0.034%); highest among the groups gnomAD compares: African/African-American, 0.67%; 3 homozygotes.

Submissions (8):

Labcorp Genetics (formerly Invitae), Labcorp
Classification: Benign for Glycogen storage disease type III. Last evaluated: 2026-01-31. Review status: criteria provided, single submitter. Criteria: Invitae Variant Classification Sherloc (09022015). Collection method: clinical testing. Allele origin: germline.

ARUP Laboratories, Molecular Genetics and Genomics, ARUP Laboratories
Classification: Likely benign. Last evaluated: 2025-07-22. Review status: criteria provided, single submitter. Criteria: ARUP Molecular Germline Variant Investigation Process 2024. Collection method: clinical testing. Allele origin: germline.

Mayo Clinic Laboratories, Mayo Clinic
Classification: Likely benign. Last evaluated: 2025-02-14. Review status: criteria provided, single submitter. Criteria: ACMG Guidelines, 2015. Collection method: clinical testing. Allele origin: germline. Observed: 4 variant alleles.
Comment: BA1, BP4, BP7

Blueprint Genetics
Classification: Likely benign. Last evaluated: 2024-11-25. Review status: criteria provided, single submitter. Criteria: ACMG Guidelines, 2015. Collection method: clinical testing. Allele origin: germline.

Genome-Nilou Lab
Classification: Benign for Glycogen storage disease type III. Last evaluated: 2021-07-15. Review status: criteria provided, single submitter. Criteria: ACMG Guidelines, 2015. Collection method: clinical testing. Allele origin: germline. Affected: no.

GeneDx
Classification: Likely benign. Last evaluated: 2018-02-05. Review status: criteria provided, single submitter. Criteria: GeneDx Variant Classification (06012015). Collection method: clinical testing. Allele origin: germline. Affected: yes.
Comment: This variant is considered likely benign or benign based on one or more of the following criteria: it is a conservative change, it occurs at a poorly conserved position in the protein, it is predicted to be benign by multiple in silico algorithms, and/or has population frequency not consistent with disease.

Illumina Laboratory Services, Illumina
Classification: Likely benign for Glycogen storage disease type III. Last evaluated: 2018-01-13. Review status: criteria provided, single submitter. Criteria: ICSL Variant Classification Criteria 13 December 2019. Collection method: clinical testing. Allele origin: germline.
Comment: This variant was observed in the ICSL laboratory as part of a predisposition screen in an ostensibly healthy population. It had not been previously curated by ICSL or reported in the Human Gene Mutation Database (HGMD: prior to June 1st, 2018), and was therefore a candidate for classification through an automated scoring system. Utilizing variant allele frequency, disease prevalence and penetrance estimates, and inheritance mode, an automated score was calculated to assess if this variant is too frequent to cause the disease. Based on the score and internal cut-off values, a variant classified as likely benign is not then subjected to further curation. The score for this variant resulted in a classification of likely benign for this disease.

PreventionGenetics, part of Exact Sciences
Classification: Likely benign. Review status: criteria provided, single submitter. Criteria: ACMG Guidelines, 2015. Collection method: clinical testing. Allele origin: germline.